The following is an entry in ClinVar:

NM_001199753.2(CPT1C):c.1524A>G (p.Thr508=)

Gene: CPT1C (carnitine palmitoyltransferase 1C; plus strand). Cytogenetic location: 19q13.33.
Variant type: single nucleotide variant.
Coding change: c.1524A>G on transcript NM_001199753.2 (MANE Select); coding-DNA position 1524, A replaced by G.
Protein change: p.Thr508=; no amino-acid change (threonine 508 retained).
Molecular consequence: synonymous variant. On other transcripts: non-coding transcript variant (1).
Genome position (GRCh38, 1-based): chr19:49,708,797, A>G. VCF-style: chr19-49708797-A-G. GRCh37 (hg19) VCF-style: chr19-50212054-A-G.
Other names: p.Thr497=; c.1491A>G, p.Thr497= (NM_001136052.3, NM_001378485.1, NM_001378487.1); c.1524A>G, p.Thr508= (NM_001199752.3, NM_001378483.1, NM_001378484.1 and 3 more transcripts); c.1590A>G, p.Thr530= (NM_001378482.1).
Identifiers: ClinVar variation 542771 (VCV000542771.16), dbSNP rs181225621, ClinGen allele CA9582204.

ClinVar aggregate classification (germline): Benign. Review status: criteria provided, multiple submitters, no conflicts (2 of 4 stars). 4 submissions from 4 submitters: Benign (3). 1 of the submissions does not count toward it. Last evaluated 2026-01-27.

Conditions:
Hereditary spastic paraplegia 73. Also called: Spastic paraplegia 73, autosomal dominant. Identifiers: Orphanet 444099, MedGen C5568981, MONDO:0014568, OMIM 616282.
CPT1C-related disorder. Also called: CPT1C-related condition.

Allele frequency attached by ClinVar (database versions not stated): 1000 Genomes Project 0.00300; gnomAD 0.00308 and 0.00313; 1000 Genomes Project 30x 0.00359; TOPMed 0.00546.
gnomAD v4.1: 2,866 of 1,613,852 alleles (0.18%); highest among the groups gnomAD compares: Admixed American, 4.6%; 77 homozygotes.

Submissions (4):

Labcorp Genetics (formerly Invitae), Labcorp
Classification: Benign for Hereditary spastic paraplegia 73. Last evaluated: 2026-01-27. Review status: criteria provided, single submitter. Criteria: Invitae Variant Classification Sherloc (09022015). Collection method: clinical testing. Allele origin: germline.

Mayo Clinic Laboratories, Mayo Clinic
Classification: Benign. Last evaluated: 2023-07-22. Review status: criteria provided, single submitter. Criteria: ACMG Guidelines, 2015. Collection method: clinical testing. Allele origin: germline. Observed: 4 variant alleles.

Breakthrough Genomics
Classification: Benign. Review status: criteria provided, single submitter. Criteria: ACMG Guidelines, 2015. Collection method: not provided. Allele origin: germline. Inheritance: Autosomal dominant inheritance. Affected: yes.

PreventionGenetics, part of Exact Sciences
Classification: Benign for CPT1C-related condition. Last evaluated: 2024-08-17. Review status: no assertion criteria provided. Collection method: clinical testing. Allele origin: germline. Not counted in ClinVar's aggregate classification.
Comment: This variant is classified as benign based on ACMG/AMP sequence variant interpretation guidelines (Richards et al. 2015 PMID: 25741868, with internal and published modifications).